The following is an entry in ClinVar:

NM_033109.5(PNPT1):c.967C>A (p.Gln323Lys)

Gene: PNPT1 (polyribonucleotide nucleotidyltransferase 1; minus strand). Cytogenetic location: 2p16.1.
Variant type: single nucleotide variant.
Coding change: c.967C>A on transcript NM_033109.5 (MANE Select); coding-DNA position 967, C replaced by A.
Protein change: p.Gln323Lys; replaces glutamine 323 with lysine.
Molecular consequence: missense variant.
Genome position (GRCh38, 1-based): chr2:55,671,328, G>T on the plus strand (C>A on the coding strand, the complement: PNPT1 is on the minus strand). VCF-style: chr2-55671328-G-T. GRCh37 (hg19) VCF-style: chr2-55898463-G-T.
Other names: short protein forms Q323K.
Identifiers: ClinVar variation 1363749 (VCV001363749.8), dbSNP rs1696906832, ClinGen allele CA346931404.

ClinVar aggregate classification (germline): Uncertain significance (1 of 4 stars; one submission).

Allele frequency attached by ClinVar (database versions not stated): gnomAD 0.00001.

Submission:

Labcorp Genetics (formerly Invitae), Labcorp
Classification: Uncertain significance. Last evaluated: 2022-03-08. Review status: criteria provided, single submitter. Criteria: Invitae Variant Classification Sherloc (09022015). Collection method: clinical testing. Allele origin: germline.
Comment: In summary, the available evidence is currently insufficient to determine the role of this variant in disease. Therefore, it has been classified as a Variant of Uncertain Significance. Advanced modeling of protein sequence and biophysical properties (such as structural, functional, and spatial information, amino acid conservation, physicochemical variation, residue mobility, and thermodynamic stability) performed at Invitae indicates that this missense variant is not expected to disrupt PNPT1 protein function. This variant has not been reported in the literature in individuals affected with PNPT1-related conditions. This variant is not present in population databases (gnomAD no frequency). This sequence change replaces glutamine, which is neutral and polar, with lysine, which is basic and polar, at codon 323 of the PNPT1 protein (p.Gln323Lys).